The following is an entry in ClinVar:

NM_000059.4(BRCA2):c.7765C>A (p.Pro2589Thr)

Gene: BRCA2 (BRCA2 DNA repair associated; plus strand). Cytogenetic location: 13q13.1.
Variant type: single nucleotide variant.
Coding change: c.7765C>A on transcript NM_000059.4 (MANE Select); coding-DNA position 7765, C replaced by A.
Protein change: p.Pro2589Thr; replaces proline 2589 with threonine.
Molecular consequence: missense variant.
Genome position (GRCh38, 1-based): chr13:32,357,889, C>A. VCF-style: chr13-32357889-C-A. GRCh37 (hg19) VCF-style: chr13-32932026-C-A.
Other names: short protein forms P2589T.
Identifiers: ClinVar variation 483136 (VCV000483136.18), dbSNP rs753047043, ClinGen allele CA6941137.
Genomic context (GRCh38, chr13:32,357,889, plus strand): 5'-GGTAAGGAAAGTTTATGGACTGGAAAAGGAATACAGTTGGCTGATGGTGGATGGCTCATA[C>A]CCTCCAATGATGGAAAGGCTGGAAAAGAAGAATTTTATAGGTACTCTATGCAAAAAGATT-3'
Protein context (NP_000050.3, residues 2579-2599): IQLADGGWLI[Pro2589Thr]SNDGKAGKEE

ClinVar aggregate classification (germline): Uncertain significance. Review status: criteria provided, multiple submitters, no conflicts (2 of 4 stars). 4 submissions from 4 submitters: Uncertain significance (4). Last evaluated 2024-08-20.

Conditions:
Hereditary cancer-predisposing syndrome. Also called: Hereditary neoplastic syndrome; Neoplastic Syndromes, Hereditary; Tumor predisposition; Hereditary Cancer Syndrome. Identifiers: Orphanet 140162, MedGen C0027672, MeSH D009386, MONDO:0015356.
Hereditary breast ovarian cancer syndrome. Also called: Hereditary breast and ovarian cancer syndrome (HBOC); Breast and ovarian cancer; Hereditary breast and ovarian cancer syndrome; Hereditary breast and ovarian cancer; Hereditary breast and/or ovarian cancer syndrome; BRCA1- and BRCA2-Associated Hereditary Breast and Ovarian Cancer. Identifiers: Orphanet 145, MedGen C0677776, MeSH D061325, MONDO:0003582. Disease mechanism: loss of function.
Breast-ovarian cancer, familial, susceptibility to, 2 (BROVCA2). Also called: BRCA2 Hereditary Breast and Ovarian Cancer. Identifiers: Orphanet 145, MedGen C2675520, MONDO:0012933, OMIM 612555. Disease mechanism: loss of function.

Allele frequency attached by ClinVar (database versions not stated): gnomAD exomes below 0.00001; ExAC 0.00001.
gnomAD v4.1: 2 of 1,613,994 alleles (0.00012%); highest among the groups gnomAD compares: South Asian, 0.0022%; no homozygotes.

Submissions (4):

Color Diagnostics, LLC DBA Color Health
Classification: Uncertain significance for Hereditary cancer-predisposing syndrome. Last evaluated: 2024-08-20. Review status: criteria provided, single submitter. Criteria: ACMG Guidelines, 2015. Collection method: clinical testing. Allele origin: germline.
Comment: This missense variant replaces proline with threonine at codon 2589 of the BRCA2 protein. Computational prediction suggests that this variant may have deleterious impact on protein structure and function. To our knowledge, functional studies have not been reported for this variant. This variant has not been reported in individuals affected with BRCA2-related disorders in the literature. This variant has been identified in 1/251418 chromosomes in the general population by the Genome Aggregation Database (gnomAD). The available evidence is insufficient to determine the role of this variant in disease conclusively. Therefore, this variant is classified as a Variant of Uncertain Significance.

KCCC/NGS Laboratory, Kuwait Cancer Control Center
Classification: Uncertain significance for Breast-ovarian cancer, familial, susceptibility to, 2. Last evaluated: 2023-12-11. Review status: criteria provided, single submitter. Criteria: ACMG Guidelines, 2015. Collection method: clinical testing. Allele origin: germline. Inheritance: Autosomal dominant inheritance. Affected: yes. Observed: 1 heterozygote.
Comment: This sequence change replaces proline with threonine at codon 2589 of the BRCA2 protein (p.Pro2589Thr). The proline residue is highly conserved and there is a small physicochemical difference between proline and threonine. This variant is present in population databases (rs753047043, ExAC 0.006%). This variant has not been reported in the literature in individuals affected with BRCA2-related conditions. ClinVar contains an entry for this variant (Variation ID: 483136). Algorithms developed to predict the effect of missense changes on protein structure and function are either unavailable or do not agree on the potential impact of this missense change (SIFT: "Tolerated"; PolyPhen-2: "Probably Damaging"; Align-GVGD: "Class C0"). In summary, the available evidence is currently insufficient to determine the role of this variant in disease. Therefore, it has been classified as a Variant of Uncertain Significance.

Labcorp Genetics (formerly Invitae), Labcorp
Classification: Uncertain significance for Hereditary breast ovarian cancer syndrome. Last evaluated: 2023-11-02. Review status: criteria provided, single submitter. Criteria: Invitae Variant Classification Sherloc (09022015). Collection method: clinical testing. Allele origin: germline.
Comment: This sequence change replaces proline, which is neutral and non-polar, with threonine, which is neutral and polar, at codon 2589 of the BRCA2 protein (p.Pro2589Thr). The frequency data for this variant in the population databases is considered unreliable, as metrics indicate poor data quality at this position in the gnomAD database. This variant has not been reported in the literature in individuals affected with BRCA2-related conditions. ClinVar contains an entry for this variant (Variation ID: 483136). Advanced modeling of protein sequence and biophysical properties (such as structural, functional, and spatial information, amino acid conservation, physicochemical variation, residue mobility, and thermodynamic stability) has been performed at Invitae for this missense variant, however the output from this modeling did not meet the statistical confidence thresholds required to predict the impact of this variant on BRCA2 protein function. In summary, the available evidence is currently insufficient to determine the role of this variant in disease. Therefore, it has been classified as a Variant of Uncertain Significance.

Ambry Genetics
Classification: Uncertain significance for Hereditary cancer-predisposing syndrome. Last evaluated: 2022-07-19. Review status: criteria provided, single submitter. Criteria: Ambry Variant Classification Scheme 2023. Collection method: clinical testing. Allele origin: germline.
Comment: The p.P2589T variant (also known as c.7765C>A), located in coding exon 15 of the BRCA2 gene, results from a C to A substitution at nucleotide position 7765. The proline at codon 2589 is replaced by threonine, an amino acid with highly similar properties. This amino acid position is highly conserved in available vertebrate species. In addition, this alteration is predicted to be deleterious by in silico analysis. Since supporting evidence is limited at this time, the clinical significance of this alteration remains unclear.